The following is an entry in ClinVar:

ClinVar aggregate classification (germline): Uncertain significance. Review status: criteria provided, multiple submitters, no conflicts (2 of 4 stars). 2 submissions from 2 submitters: Uncertain significance (2). Last evaluated 2025-08-28.

Conditions:
Hereditary breast ovarian cancer syndrome. Also called: Hereditary breast and/or ovarian cancer syndrome; Breast and ovarian cancer; Hereditary breast and ovarian cancer; BRCA1- and BRCA2-Associated Hereditary Breast and Ovarian Cancer; Hereditary breast and ovarian cancer syndrome; Hereditary breast and ovarian cancer syndrome (HBOC). Identifiers: Orphanet 145, MedGen C0677776, MeSH D061325, MONDO:0003582. Disease mechanism: loss of function.
Hereditary cancer-predisposing syndrome. Also called: Tumor predisposition; Neoplastic Syndromes, Hereditary; Hereditary neoplastic syndrome; Hereditary Cancer Syndrome. Identifiers: Orphanet 140162, MedGen C0027672, MeSH D009386, MONDO:0015356.

Submissions (2):

Color Diagnostics, LLC DBA Color Health
Classification: Uncertain significance for Hereditary cancer-predisposing syndrome. Last evaluated: 2025-08-28. Review status: criteria provided, single submitter. Criteria: ACMG Guidelines, 2015. Collection method: clinical testing. Allele origin: germline.
Comment: This missense variant replaces threonine with serine at codon 87 of the BRCA2 protein. Computational prediction suggests that this variant may not impact protein structure and function. To our knowledge, functional studies have not been reported for this variant. This variant has not been reported in individuals affected with BRCA2-related disorders in the literature. This variant has not been identified in the general population by the Genome Aggregation Database (gnomAD). The available evidence is insufficient to determine the role of this variant in disease conclusively. Therefore, this variant is classified as a Variant of Uncertain Significance.

Labcorp Genetics (formerly Invitae), Labcorp
Classification: Uncertain significance for Hereditary breast ovarian cancer syndrome. Last evaluated: 2025-03-31. Review status: criteria provided, single submitter. Criteria: Invitae Variant Classification Sherloc (09022015). Collection method: clinical testing. Allele origin: germline.
Comment: This sequence change replaces threonine, which is neutral and polar, with serine, which is neutral and polar, at codon 87 of the BRCA2 protein (p.Thr87Ser). This variant is not present in population databases (gnomAD no frequency). This variant has not been reported in the literature in individuals affected with BRCA2-related conditions. ClinVar contains an entry for this variant (Variation ID: 1515795). Invitae Evidence Modeling of protein sequence and biophysical properties (such as structural, functional, and spatial information, amino acid conservation, physicochemical variation, residue mobility, and thermodynamic stability) indicates that this missense variant is not expected to disrupt BRCA2 protein function with a negative predictive value of 95%. Experimental studies have shown that this missense change does not substantially affect BRCA2 function (PMID: 32641407). In summary, the available evidence is currently insufficient to determine the role of this variant in disease. Therefore, it has been classified as a Variant of Uncertain Significance.

Literature cited by the submitters: PubMed 32641407 (cited by Labcorp Genetics (formerly Invitae), Labcorp).

NM_000059.4(BRCA2):c.260C>G (p.Thr87Ser)

Gene: BRCA2 (BRCA2 DNA repair associated; plus strand). Cytogenetic location: 13q13.1.
Variant type: single nucleotide variant.
Coding change: c.260C>G on transcript NM_000059.4 (MANE Select); coding-DNA position 260, C replaced by G.
Protein change: p.Thr87Ser; replaces threonine 87 with serine.
Molecular consequence: missense variant.
Genome position (GRCh38, 1-based): chr13:32,319,269, C>G. VCF-style: chr13-32319269-C-G. GRCh37 (hg19) VCF-style: chr13-32893406-C-G.
Other names: short protein forms T87S.
Identifiers: ClinVar variation 1515795 (VCV001515795.8), dbSNP rs2138705408, ClinGen allele CA387754563.